The following is an entry in ClinVar:

ClinVar aggregate classification (germline): Benign/Likely benign. Review status: criteria provided, multiple submitters, no conflicts (2 of 4 stars). 3 submissions from 3 submitters: Benign (1); Likely benign (2). Last evaluated 2026-07-27.

Conditions:
Rhabdoid tumor predisposition syndrome 2 (RTPS2). Identifiers: Orphanet 231108, Orphanet 69077, MedGen C2750074, MONDO:0013224, OMIM 613325.
Hereditary cancer-predisposing syndrome. Also called: Hereditary neoplastic syndrome; Neoplastic Syndromes, Hereditary; Tumor predisposition; Hereditary Cancer Syndrome. Identifiers: Orphanet 140162, MedGen C0027672, MeSH D009386, MONDO:0015356.

Submissions (3):

Myriad Genetics, Inc.
Classification: Benign for Rhabdoid tumor predisposition syndrome 2. Last evaluated: 2026-07-27. Review status: criteria provided, single submitter. Criteria: Myriad Autosomal Dominant, Autosomal Recessive and X-Linked Classification Criteria (2023). Collection method: clinical testing. Allele origin: unknown.
Comment: This variant is considered benign. This variant is a silent/synonymous amino acid change and it is not expected to impact splicing.

Labcorp Genetics (formerly Invitae), Labcorp
Classification: Likely benign for Rhabdoid tumor predisposition syndrome 2. Last evaluated: 2024-08-13. Review status: criteria provided, single submitter. Criteria: Invitae Variant Classification Sherloc (09022015). Collection method: clinical testing. Allele origin: germline.

Ambry Genetics
Classification: Likely benign for Hereditary cancer-predisposing syndrome. Last evaluated: 2023-07-30. Review status: criteria provided, single submitter. Criteria: Ambry Variant Classification Scheme 2023. Collection method: clinical testing. Allele origin: germline.

NM_003072.5(SMARCA4):c.4863A>G (p.Arg1621=)

Gene: SMARCA4 (SWI/SNF related BAF chromatin remodeling complex subunit ATPase 4; plus strand). Cytogenetic location: 19p13.2.
Variant type: single nucleotide variant.
Coding change: c.4863A>G on transcript NM_003072.5 (MANE Select); coding-DNA position 4863, A replaced by G.
Protein change: p.Arg1621=; no amino-acid change (arginine 1621 retained).
Molecular consequence: synonymous variant. On other transcripts: non-coding transcript variant (1).
Genome position (GRCh38, 1-based): chr19:11,060,139, A>G. VCF-style: chr19-11060139-A-G. GRCh37 (hg19) VCF-style: chr19-11170815-A-G.
Other names: c.4863A>G, p.Arg1621= (NM_001128844.3); c.4773A>G, p.Arg1591= (NM_001128845.2); c.4770A>G, p.Arg1590= (NM_001128846.2); c.4764A>G, p.Arg1588= (NM_001128847.4, NM_001374457.1); c.4761A>G, p.Arg1587= (NM_001128848.2); c.4959A>G, p.Arg1653= (NM_001128849.3).
Identifiers: ClinVar variation 722273 (VCV000722273.11), dbSNP rs1600649116, ClinGen allele CA505495489.